The following is an entry in ClinVar:

ClinVar aggregate classification (germline): Likely pathogenic (1 of 4 stars; one submission).

Conditions:
Usher syndrome type 1B (USH1B). Also called: Usher syndrome type IB. Identifiers: MedGen C1848638, MONDO:0700087.

Submission:

Natera, Inc.
Classification: Likely pathogenic for Usher syndrome type 1B. Last evaluated: 2025-11-18. Review status: criteria provided, single submitter. Criteria: Natera Variant Classification Schema (03/2026). Collection method: clinical testing. Allele origin: germline.
Comment: The c.3737G>A variant in MYO7A is a nonsense variant predicted to introduce a stop codon at amino acid 1246. This variant is expected to result in nonsense mediated decay, truncation, or a dysfunctional protein product. This variant is rare in the general population with a frequency below the threshold expected for the associated phenotype(s). Given the available evidence, this variant is classified as Likely Pathogenic.

NM_000260.4(MYO7A):c.3737G>A (p.Trp1246Ter)

Gene: MYO7A (myosin VIIA; plus strand). Cytogenetic location: 11q13.5.
Variant type: single nucleotide variant.
Coding change: c.3737G>A on transcript NM_000260.4 (MANE Select); coding-DNA position 3737, G replaced by A.
Protein change: p.Trp1246Ter; replaces tryptophan 1246 with a stop codon.
Molecular consequence: nonsense.
Genome position (GRCh38, 1-based): chr11:77,190,126, G>A. VCF-style: chr11-77190126-G-A. GRCh37 (hg19) VCF-style: chr11-76901171-G-A.
Other names: c.3737G>A, p.Trp1246Ter (NM_001127180.2); c.3704G>A, p.Trp1235Ter (NM_001369365.1); short protein forms W1235*, W1246*.
Identifiers: ClinVar variation 4818024 (VCV004818024.1).
Genomic context (GRCh38, chr11:77,190,126, plus strand): 5'-ACTGTGAGGAGCGCCTGAGAAGGACCTTTGTCAATGGGACACGGACACAGCCGCCCAGCT[G>A]GCTGGAGCTGCAGGTTCGTGCGTGTGTATGCACGTGCTCGTGTGCATGTGTGCGCACGTG-3'